The following is an entry in ClinVar:

NM_001042492.3(NF1):c.3088_3089dup (p.Phe1031fs)

Gene: NF1 (neurofibromin 1; plus strand). Cytogenetic location: 17q11.2.
Variant type: Microsatellite.
Coding change: c.3088_3089dup on transcript NM_001042492.3 (MANE Select); coding-DNA positions 3088 to 3089, 2 bases duplicated (TC; older notation c.3088_3089dupTC).
Protein change: p.Phe1031fs; shifts the reading frame from phenylalanine 1031.
Molecular consequence: frameshift variant.
Genome position (GRCh38, 1-based): chr17:31,230,357-31,230,358, TC duplicated; duplicating any 2 consecutive bases within chr17:31,230,354-31,230,358 gives the same sequence; the c. name uses the placement nearest the transcript's 3' end. VCF-style (leftmost placement, unchanged base first): chr17-31230353-C-CCT. GRCh37 (hg19) VCF-style: chr17-29557371-C-CCT.
Other names: c.3086_3087TC[3], p.Phe1031Hisfs (NM_000267.4); short protein forms F1031fs.
Identifiers: ClinVar variation 871352 (VCV000871352.46), dbSNP rs2067092561, ClinGen allele CA1139665329.

ClinVar aggregate classification (germline): Pathogenic. Review status: criteria provided, multiple submitters, no conflicts (2 of 4 stars). 3 submissions from 3 submitters: Pathogenic (3). Last evaluated 2022-03-15.

Conditions:
Neurofibromatosis, type 1 (NF1). Also called: Neurofibromatosis, type I; NEUROFIBROMATOSIS, TYPE I, SOMATIC; VON RECKLINGHAUSEN DISEASE; Peripheral type neurofibromatosis. Identifiers: Orphanet 636, MedGen C0027831, MONDO:0018975, OMIM 162200. Disease mechanism: loss of function.

Submissions (3):

Genome-Nilou Lab
Classification: Pathogenic for Neurofibromatosis, type 1. Last evaluated: 2022-03-15. Review status: criteria provided, single submitter. Criteria: ACMG Guidelines, 2015. Collection method: clinical testing. Allele origin: germline. Affected: no.

Labcorp Genetics (formerly Invitae), Labcorp
Classification: Pathogenic for Neurofibromatosis, type 1. Last evaluated: 2020-04-01. Review status: criteria provided, single submitter. Criteria: Invitae Variant Classification Sherloc (09022015). Collection method: clinical testing. Allele origin: germline.
Comment: For these reasons, this variant has been classified as Pathogenic. Loss-of-function variants in NF1 are known to be pathogenic (PMID: 10712197, 23913538). This variant has been observed in individual(s) with neurofibromatosis, type 1 (PMID: 23913538). This variant is also known as c.3089_3090dupTC in the literature. This variant is not present in population databases (ExAC no frequency). This sequence change creates a premature translational stop signal (p.Phe1031Hisfs*6) in the NF1 gene. It is expected to result in an absent or disrupted protein product.

CeGaT Center for Human Genetics Tuebingen
Classification: Pathogenic. Last evaluated: 2016-12-01. Review status: criteria provided, single submitter. Criteria: CeGaT Center For Human Genetics Tuebingen Variant Classification Criteria Version 2. Collection method: clinical testing. Allele origin: germline. Affected: yes. Observed: 1 variant allele.

Literature cited by the submitters: PubMed 10712197 (cited by Labcorp Genetics (formerly Invitae), Labcorp); PubMed 23913538 (cited by Labcorp Genetics (formerly Invitae), Labcorp).